The following is an entry in ClinVar:

NM_206933.4(USH2A):c.4082-1G>A

Genes: USH2A (usherin; minus strand), USH2A-AS1 (USH2A antisense RNA 1; plus strand). Cytogenetic location: 1q41.
Variant type: single nucleotide variant.
Coding change: c.4082-1G>A on transcript NM_206933.4 (MANE Select); the canonical splice acceptor site of the intron before coding-DNA position 4082, G replaced by A.
Molecular consequence: splice acceptor variant.
Genome position (GRCh38, 1-based): chr1:216,196,723, C>T on the plus strand (G>A on the coding strand, the complement: USH2A is on the minus strand). VCF-style: chr1-216196723-C-T. GRCh37 (hg19) VCF-style: chr1-216370065-C-T.
Other names: c.4082-1G>A (NM_007123.6).
Identifiers: ClinVar variation 834892 (VCV000834892.12), dbSNP rs747581764, ClinGen allele CA1395810.
Genomic context (GRCh38, chr1:216,196,723, plus strand): 5'-AGATATTGAGAGAGTACGAAGAGAGGGGAAAGACTGAAGGAGGGATCATGAATACAGGTG[C>T]TATCAATGAGAACAATAACAATAACATCAAAACAATGAATGTCGTCCCTATATATTTTTA-3'

ClinVar aggregate classification (germline): Pathogenic/Likely pathogenic. Review status: criteria provided, multiple submitters, no conflicts (2 of 4 stars). 3 submissions from 3 submitters: Pathogenic (1); Likely pathogenic (2). Last evaluated 2024-08-21.

Conditions:
USH2A-related disorder. Also called: USH2A-related disorders; USH2A-related condition. Identifiers: MedGen CN239332.
Usher syndrome type 2A. Also called: USHER SYNDROME, TYPE IIA; RETINAL DISEASE IN USHER SYNDROME TYPE IIA, MODIFIER OF. Identifiers: Orphanet 231178, Orphanet 886, MedGen C1848634, MONDO:0010169, OMIM 276901.

Allele frequency attached by ClinVar (database versions not stated): gnomAD exomes below 0.00001; ExAC 0.00001.
gnomAD v4.1: 1 of 1,612,402 alleles (0.000062%); highest among the groups gnomAD compares: South Asian, 0.0011%; no homozygotes.

Submissions (3):

Natera, Inc.
Classification: Likely pathogenic for Usher syndrome type 2A. Last evaluated: 2024-08-21. Review status: criteria provided, single submitter. Criteria: Natera Variant Classification Schema (03/2026). Collection method: clinical testing. Allele origin: germline.
Comment: The c.4082-1G>A variant in USH2A is a canonical splice acceptor site variant predicted to affect pre-mRNA splicing, which may result in an abnormal transcript and altered protein product. This variant is expected to result in nonsense mediated decay, truncation, or a dysfunctional protein product. This variant is rare in the general population with a frequency below the threshold expected for the associated phenotype(s). Given the available evidence, this variant is classified as Likely Pathogenic.

Blueprint Genetics
Classification: Likely pathogenic for USH2A-related disorders. Last evaluated: 2024-02-27. Review status: criteria provided, single submitter. Criteria: ACMG Guidelines, 2015. Collection method: clinical testing. Allele origin: germline. Affected: yes. Observed: 1 variant allele.

Labcorp Genetics (formerly Invitae), Labcorp
Classification: Pathogenic. Last evaluated: 2022-09-07. Review status: criteria provided, single submitter. Criteria: Invitae Variant Classification Sherloc (09022015). Collection method: clinical testing. Allele origin: germline.
Comment: This sequence change affects an acceptor splice site in intron 18 of the USH2A gene. It is expected to disrupt RNA splicing. Variants that disrupt the donor or acceptor splice site typically lead to a loss of protein function (PMID: 16199547), and loss-of-function variants in USH2A are known to be pathogenic (PMID: 10729113, 10909849, 20507924, 25649381). This variant is present in population databases (rs747581764, gnomAD 0.003%). Disruption of this splice site has been observed in individual(s) with clinical features of autosomal recessive retinitis pigmentosa (Invitae). In at least one individual the data is consistent with being in trans (on the opposite chromosome) from a pathogenic variant. ClinVar contains an entry for this variant (Variation ID: 834892). Algorithms developed to predict the effect of sequence changes on RNA splicing suggest that this variant may disrupt the consensus splice site. For these reasons, this variant has been classified as Pathogenic.

Literature cited by the submitters: PubMed 16199547 (cited by Labcorp Genetics (formerly Invitae), Labcorp); PubMed 10729113 (cited by Labcorp Genetics (formerly Invitae), Labcorp); PubMed 10909849 (cited by Labcorp Genetics (formerly Invitae), Labcorp); PubMed 20507924 (cited by Labcorp Genetics (formerly Invitae), Labcorp); PubMed 25649381 (cited by Labcorp Genetics (formerly Invitae), Labcorp).